The following is an entry in ClinVar:

NM_001845.6(COL4A1):c.2520C>T (p.Gly840=)

Gene: COL4A1 (collagen type IV alpha 1 chain; minus strand). Cytogenetic location: 13q34.
Variant type: single nucleotide variant.
Coding change: c.2520C>T on transcript NM_001845.6 (MANE Select); coding-DNA position 2520, C replaced by T.
Protein change: p.Gly840=; no amino-acid change (glycine 840 retained).
Molecular consequence: synonymous variant.
Genome position (GRCh38, 1-based): chr13:110,178,170, G>A on the plus strand (C>T on the coding strand, the complement: COL4A1 is on the minus strand). VCF-style: chr13-110178170-G-A. GRCh37 (hg19) VCF-style: chr13-110830517-G-A.
Identifiers: ClinVar variation 3044735 (VCV003044735.2), dbSNP rs1473619535, ClinGen allele CA484980944.

ClinVar aggregate classification (germline): Likely benign (0 of 4 stars; one submission).

Conditions:
COL4A1-related disorder. Also called: COL4A1-related disorders; COL4A1-related condition. Identifiers: MedGen CN376119, MONDO:0800461.

Allele frequency attached by ClinVar (database versions not stated): gnomAD exomes below 0.00001.
gnomAD v4.1: 3 of 1,614,138 alleles (0.00019%); highest among the groups gnomAD compares: South Asian, 0.0011%; no homozygotes.

Submission:

PreventionGenetics, part of Exact Sciences
Classification: Likely benign for COL4A1-related condition. Last evaluated: 2023-05-25. Review status: no assertion criteria provided. Collection method: clinical testing. Allele origin: germline.
Comment: This variant is classified as likely benign based on ACMG/AMP sequence variant interpretation guidelines (Richards et al. 2015 PMID: 25741868, with internal and published modifications).